The following is an entry in ClinVar:

ClinVar aggregate classification (germline): Uncertain significance (1 of 4 stars; one submission).

Conditions:
VPS13B-related disorder. Also called: VPS13B-related condition.

gnomAD v4.1: 3 of 1,613,674 alleles (0.00019%); highest among the groups gnomAD compares: Admixed American, 0.0033%; no homozygotes.

Submission:

PreventionGenetics, part of Exact Sciences
Classification: Uncertain significance for VPS13B-related condition. Last evaluated: 2026-07-02. Review status: criteria provided, single submitter. Criteria: ACMG Guidelines, 2015. Collection method: clinical testing. Allele origin: germline.
Comment: The VPS13B c.9595G>A variant is predicted to result in the amino acid substitution p.Glu3199Lys. To our knowledge, this variant has not been reported in the literature or in a large population database (gnomAD), indicating this variant is rare. At this time, the clinical significance of this variant is uncertain due to the absence of conclusive functional and genetic evidence.

NM_152564.5(VPS13B):c.9595G>A (p.Glu3199Lys)

Gene: VPS13B (vacuolar protein sorting 13 homolog B; plus strand). Cytogenetic location: 8q22.2.
Variant type: single nucleotide variant.
Coding change: c.9595G>A on transcript NM_152564.5 (MANE Select); coding-DNA position 9595, G replaced by A.
Protein change: p.Glu3199Lys; replaces glutamic acid 3199 with lysine.
Molecular consequence: missense variant.
Genome position (GRCh38, 1-based): chr8:99,832,633, G>A. VCF-style: chr8-99832633-G-A. GRCh37 (hg19) VCF-style: chr8-100844861-G-A.
Other names: c.9670G>A, p.Glu3224Lys (NM_017890.5); short protein forms E3199K, E3224K.
Identifiers: ClinVar variation 4986781 (VCV004986781.1).
Genomic context (GRCh38, chr8:99,832,633, plus strand): 5'-GCTATAGTTAGACCAGAGTTTCCCAGACAGAGTGTGGCAGTACCCCTCGGGAATTTCCGG[G>A]AAAATGGATTCTGTACCAGGTATTTTATGTTTATATAAATGTCTGTTCTTCTTTGCTTGT-3'
Protein context (NP_689777.3, residues 3189-3209): SVAVPLGNFR[Glu3199Lys]NGFCTRAIVL